The following is an entry in ClinVar:

NM_006415.4(SPTLC1):c.41T>C (p.Val14Ala)

Gene: SPTLC1 (serine palmitoyltransferase long chain base subunit 1; minus strand). Cytogenetic location: 9q22.31.
Variant type: single nucleotide variant.
Coding change: c.41T>C on transcript NM_006415.4 (MANE Select); coding-DNA position 41, T replaced by C.
Protein change: p.Val14Ala; replaces valine 14 with alanine.
Molecular consequence: missense variant. On other transcripts: 5 prime UTR variant (2).
Genome position (GRCh38, 1-based): chr9:92,115,330, A>G on the plus strand (T>C on the coding strand, the complement: SPTLC1 is on the minus strand). VCF-style: chr9-92115330-A-G. GRCh37 (hg19) VCF-style: chr9-94877612-A-G.
Other names: c.-570T>C (NM_001368273.1); c.41T>C, p.Val14Ala (NM_178324.3, NM_001281303.2); c.-459T>C (NM_001368272.1); short protein forms V14A.
Identifiers: ClinVar variation 2702595 (VCV002702595.3), dbSNP rs2538540238, ClinGen allele CA373797510.

ClinVar aggregate classification (germline): Uncertain significance (1 of 4 stars; one submission).

Conditions:
Hereditary sensory and autonomic neuropathy type 1 (HSAN1). Also called: HSAN 1; HSN Type I; Hereditary Sensory Neuropathy Type I. Identifiers: Orphanet 36386, MedGen C0020071, MONDO:0018213.

Submission:

Labcorp Genetics (formerly Invitae), Labcorp
Classification: Uncertain significance for Hereditary sensory and autonomic neuropathy type 1. Last evaluated: 2023-12-12. Review status: criteria provided, single submitter. Criteria: Invitae Variant Classification Sherloc (09022015). Collection method: clinical testing. Allele origin: germline.
Comment: This sequence change replaces valine, which is neutral and non-polar, with alanine, which is neutral and non-polar, at codon 14 of the SPTLC1 protein (p.Val14Ala). This variant is not present in population databases (gnomAD no frequency). This variant has not been reported in the literature in individuals affected with SPTLC1-related conditions. Advanced modeling of protein sequence and biophysical properties (such as structural, functional, and spatial information, amino acid conservation, physicochemical variation, residue mobility, and thermodynamic stability) has been performed at Invitae for this missense variant, however the output from this modeling did not meet the statistical confidence thresholds required to predict the impact of this variant on SPTLC1 protein function. In summary, the available evidence is currently insufficient to determine the role of this variant in disease. Therefore, it has been classified as a Variant of Uncertain Significance.